The following is an entry in ClinVar:

ClinVar aggregate classification (germline): Likely benign (1 of 4 stars; one submission).

Allele frequency attached by ClinVar (database versions not stated): gnomAD 0.00007; TOPMed 0.00009; ExAC 0.00018; ESP Exome Variant Server 0.00036.
gnomAD v4.1: 153 of 1,611,898 alleles (0.0095%); highest among the groups gnomAD compares: Non-Finnish European, 0.0014%; no homozygotes.

Submission:

CeGaT Center for Human Genetics Tuebingen
Classification: Likely benign. Last evaluated: 2022-03-01. Review status: criteria provided, single submitter. Criteria: CeGaT Center For Human Genetics Tuebingen Variant Classification Criteria Version 2. Collection method: clinical testing. Allele origin: germline. Affected: yes. Observed: 1 variant allele.
Comment: WASHC2A: BP4, BS2

NM_001005751.3(WASHC2A):c.3920C>T (p.Thr1307Ile)

Gene: WASHC2A (WASH complex subunit 2A; plus strand). Cytogenetic location: 10q11.23.
Variant type: single nucleotide variant.
Coding change: c.3920C>T on transcript NM_001005751.3 (MANE Select); coding-DNA position 3920, C replaced by T.
Protein change: p.Thr1307Ile; replaces threonine 1307 with isoleucine.
Molecular consequence: missense variant.
Genome position (GRCh38, 1-based): chr10:50,132,839, C>T. VCF-style: chr10-50132839-C-T. GRCh37 (hg19) VCF-style: chr10-51892599-C-T.
Other names: c.3857C>T, p.Thr1286Ile (NM_001291398.2); c.3734C>T, p.Thr1245Ile (NM_001330102.2); short protein forms T1245I, T1286I, T1307I.
Identifiers: ClinVar variation 2640467 (VCV002640467.24), dbSNP rs201439985, ClinGen allele CA5501847.
Genomic context (GRCh38, chr10:50,132,839, plus strand): 5'-AACCGTTCTTCTTTTTTCTTTCTAAAGATGACATCTTCTCCTCTGGTATCCAGGCTAAGA[C>T]AACCAAACCAAAAAGCCGATCTGCACAGGCCGCACCTGAACCAAGATTTGAACACAAGGT-3'
Protein context (NP_001005751.1, residues 1297-1317): DIFSSGIQAK[Thr1307Ile]TKPKSRSAQA